The following is an entry in ClinVar:

ClinVar aggregate classification (germline): Uncertain significance (1 of 4 stars; one submission).

gnomAD v4.1: 16 of 1,608,000 alleles (0.001%); highest among the groups gnomAD compares: Middle Eastern, 0.017%; no homozygotes.

Submission:

Women's Health and Genetics/Laboratory Corporation of America, LabCorp
Classification: Uncertain significance. Last evaluated: 2026-06-23. Review status: criteria provided, single submitter. Criteria: LabCorp Variant Classification Summary - May 2015. Collection method: clinical testing. Allele origin: germline.
Comment: Variant summary: IGFALS c.1208C>T (p.Pro403Leu) results in a non-conservative amino acid change in the encoded protein sequence. Algorithms developed to predict the effect of missense changes on protein structure and function are either unavailable or do not agree on the potential impact of this missense change. The variant allele was found at a frequency of 3.7e-05 in 243964 control chromosomes. The available data on variant occurrences in the general population are insufficient to allow any conclusion about variant significance. To our knowledge, no occurrence of c.1208C>T in individuals affected with IGFALS-related conditions and no experimental evidence demonstrating its impact on protein function have been reported. No submitters have cited clinical-significance assessments for this variant to ClinVar. Based on the evidence outlined above, the variant was classified as uncertain significance.

NM_004970.3(IGFALS):c.1208C>T (p.Pro403Leu)

Gene: IGFALS (insulin like growth factor binding protein acid labile subunit; minus strand). Cytogenetic location: 16p13.3.
Variant type: single nucleotide variant.
Coding change: c.1208C>T on transcript NM_004970.3 (MANE Select); coding-DNA position 1208, C replaced by T.
Protein change: p.Pro403Leu; replaces proline 403 with leucine.
Molecular consequence: missense variant. On other transcripts: non-coding transcript variant (1).
Genome position (GRCh38, 1-based): chr16:1,791,210, G>A on the plus strand (C>T on the coding strand, the complement: IGFALS is on the minus strand). VCF-style: chr16-1791210-G-A. GRCh37 (hg19) VCF-style: chr16-1841211-G-A.
Other names: c.1322C>T, p.Pro441Leu (NM_001146006.2); short protein forms P403L, P441L.
Identifiers: ClinVar variation 4887731 (VCV004887731.1).